The following is an entry in ClinVar:

ClinVar aggregate classification (germline): Benign/Likely benign. Review status: criteria provided, multiple submitters, no conflicts (2 of 4 stars). 4 submissions from 4 submitters: Benign (1); Likely benign (3). Last evaluated 2025-10-31.

Conditions:
Familial adenomatous polyposis 1 (FAP1). Also called: FAMILIAL ADENOMATOUS POLYPOSIS 1, ATTENUATED; POLYPOSIS, ADENOMATOUS INTESTINAL. Identifiers: MedGen C2713442, MONDO:0021056, OMIM 175100. Disease mechanism: loss of function.
Hereditary cancer-predisposing syndrome. Also called: Tumor predisposition; Neoplastic Syndromes, Hereditary; Hereditary Cancer Syndrome; Hereditary neoplastic syndrome. Identifiers: Orphanet 140162, MedGen C0027672, MeSH D009386, MONDO:0015356.

Submissions (4):

Labcorp Genetics (formerly Invitae), Labcorp
Classification: Likely benign for Familial adenomatous polyposis 1. Last evaluated: 2025-10-31. Review status: criteria provided, single submitter. Criteria: Invitae Variant Classification Sherloc (09022015). Collection method: clinical testing. Allele origin: germline.

Myriad Genetics, Inc.
Classification: Benign for Familial adenomatous polyposis 1. Last evaluated: 2024-04-09. Review status: criteria provided, single submitter. Criteria: Myriad Autosomal Dominant, Autosomal Recessive and X-Linked Classification Criteria (2023). Collection method: clinical testing. Allele origin: unknown.
Comment: This variant is considered benign. This variant is a silent/synonymous amino acid change and it is not expected to impact splicing.

Color Diagnostics, LLC DBA Color Health
Classification: Likely benign for Hereditary cancer-predisposing syndrome. Last evaluated: 2022-07-05. Review status: criteria provided, single submitter. Criteria: ACMG Guidelines, 2015. Collection method: clinical testing. Allele origin: germline.

Ambry Genetics
Classification: Likely benign for Hereditary cancer-predisposing syndrome. Last evaluated: 2019-12-20. Review status: criteria provided, single submitter. Criteria: Ambry Variant Classification Scheme 2023. Collection method: clinical testing. Allele origin: germline.

NM_000038.6(APC):c.7215T>C (p.Asn2405=)

Gene: APC (APC regulator of Wnt signaling pathway; plus strand). Cytogenetic location: 5q22.2.
Variant type: single nucleotide variant.
Coding change: c.7215T>C on transcript NM_000038.6 (MANE Select); coding-DNA position 7215, T replaced by C.
Protein change: p.Asn2405=; no amino-acid change (asparagine 2405 retained).
Molecular consequence: synonymous variant.
Genome position (GRCh38, 1-based): chr5:112,842,809, T>C. VCF-style: chr5-112842809-T-C. GRCh37 (hg19) VCF-style: chr5-112178506-T-C.
Other names: c.7215T>C, p.Asn2405= (NM_001127510.3, NM_001354895.2); c.7161T>C, p.Asn2387= (NM_001127511.3); c.7269T>C, p.Asn2423= (NM_001354896.2); c.7245T>C, p.Asn2415= (NM_001354897.2); c.7140T>C, p.Asn2380= (NM_001354898.2); c.7131T>C, p.Asn2377= (NM_001354899.2); c.7092T>C, p.Asn2364= (NM_001354900.2); c.7038T>C, p.Asn2346= (NM_001354901.2); and 5 more.
Identifiers: ClinVar variation 762817 (VCV000762817.18), dbSNP rs1040589307, ClinGen allele CA125167816.